The following is an entry in ClinVar:

NM_014974.3(DIP2C):c.4120-9C>T

Gene: DIP2C (DIP2 acetate--CoA ligase C (putative); minus strand). Cytogenetic location: 10p15.3.
Variant type: single nucleotide variant.
Coding change: c.4120-9C>T on transcript NM_014974.3 (MANE Select); 9 bases into the intron before coding-DNA position 4120, C replaced by T.
Molecular consequence: intron variant.
Genome position (GRCh38, 1-based): chr10:283,455, G>A on the plus strand (C>T on the coding strand, the complement: DIP2C is on the minus strand). VCF-style: chr10-283455-G-A. GRCh37 (hg19) VCF-style: chr10-329395-G-A.
Other names: c.4120-9C>T (NM_014974.2).
Identifiers: ClinVar variation 2719038 (VCV002719038.5), dbSNP rs371940286, ClinGen allele CA5379525.

ClinVar aggregate classification (germline): Likely benign. Review status: criteria provided, single submitter (1 of 4 stars). 2 submissions from 2 submitters: Likely benign (1). 1 of the submissions does not count toward it. Last evaluated 2026-02-01.

Conditions:
DIP2C-related disorder. Also called: DIP2C-related condition.

Allele frequency attached by ClinVar (database versions not stated): gnomAD exomes 0.00016; ExAC 0.00020; 1000 Genomes Project 30x 0.00031; TOPMed 0.00037; ESP Exome Variant Server 0.00015; gnomAD 0.00040; 1000 Genomes Project 0.00020.
gnomAD v4.1: 290 of 1,613,426 alleles (0.018%); highest among the groups gnomAD compares: African/African-American, 0.12%; no homozygotes.

Submissions (2):

Labcorp Genetics (formerly Invitae), Labcorp
Classification: Likely benign. Last evaluated: 2026-02-01. Review status: criteria provided, single submitter. Criteria: Invitae Variant Classification Sherloc (09022015). Collection method: clinical testing. Allele origin: germline.

PreventionGenetics, part of Exact Sciences
Classification: Likely benign for DIP2C-related condition. Last evaluated: 2019-08-06. Review status: no assertion criteria provided. Collection method: clinical testing. Allele origin: germline. Not counted in ClinVar's aggregate classification.
Comment: This variant is classified as likely benign based on ACMG/AMP sequence variant interpretation guidelines (Richards et al. 2015 PMID: 25741868, with internal and published modifications).